The following is an entry in ClinVar:

ClinVar aggregate classification (germline): Likely pathogenic (1 of 4 stars; one submission).

Submission:

Labcorp Genetics (formerly Invitae), Labcorp
Classification: Likely pathogenic. Last evaluated: 2022-08-23. Review status: criteria provided, single submitter. Criteria: Invitae Variant Classification Sherloc (09022015). Collection method: clinical testing. Allele origin: germline.
Comment: In summary, the currently available evidence indicates that the variant is pathogenic, but additional data are needed to prove that conclusively. Therefore, this variant has been classified as Likely Pathogenic. This variant results in the deletion of exon 7 and part of exon 6 (c.769_1028-624delinsCA) of the ERCC3 gene. It is expected to disrupt RNA splicing. Variants that disrupt the donor or acceptor splice site typically lead to a loss of protein function (PMID: 16199547), and loss-of-function variants in ERCC3 are known to be pathogenic (PMID: 16947863). This variant has not been reported in the literature in individuals affected with ERCC3-related conditions.

Literature cited by the submitters: PubMed 16199547; PubMed 16947863.

NC_000002.11:g.(?_128045217)_(128046966_?)del

Gene: ERCC3 (ERCC excision repair 3, TFIIH core complex helicase subunit; minus strand). Cytogenetic location: 2q14.3.
Variant type: Deletion.
Identifiers: ClinVar variation 2422382 (VCV002422382.4).